The following is an entry in ClinVar:

ClinVar aggregate classification (germline): Uncertain significance (1 of 4 stars; one submission).

Submission:

Labcorp Genetics (formerly Invitae), Labcorp
Classification: Uncertain significance. Last evaluated: 2025-01-06. Review status: criteria provided, single submitter. Criteria: Invitae Variant Classification Sherloc (09022015). Collection method: clinical testing. Allele origin: germline.
Comment: This sequence change replaces aspartic acid, which is acidic and polar, with tyrosine, which is neutral and polar, at codon 1534 of the MPDZ protein (p.Asp1534Tyr). This variant is not present in population databases (gnomAD no frequency). This variant has not been reported in the literature in individuals affected with MPDZ-related conditions. ClinVar contains an entry for this variant (Variation ID: 1384859). An algorithm developed to predict the effect of missense changes on protein structure and function (PolyPhen-2) suggests that this variant is likely to be disruptive. In summary, the available evidence is currently insufficient to determine the role of this variant in disease. Therefore, it has been classified as a Variant of Uncertain Significance.

NM_001378778.1(MPDZ):c.4600G>T (p.Asp1534Tyr)

Gene: MPDZ (multiple PDZ domain crumbs cell polarity complex component; minus strand). Cytogenetic location: 9p23.
Variant type: single nucleotide variant.
Coding change: c.4600G>T on transcript NM_001378778.1 (MANE Select); coding-DNA position 4600, G replaced by T.
Protein change: p.Asp1534Tyr; replaces aspartic acid 1534 with tyrosine.
Molecular consequence: missense variant.
Genome position (GRCh38, 1-based): chr9:13,126,548, C>A on the plus strand (G>T on the coding strand, the complement: MPDZ is on the minus strand). VCF-style: chr9-13126548-C-A. GRCh37 (hg19) VCF-style: chr9-13126547-C-A.
Other names: c.4501G>T, p.Asp1501Tyr (NM_001261406.2, NM_001261407.2, NM_001375416.1 and 3 more transcripts); c.4600G>T, p.Asp1534Tyr (NM_001330637.2, NM_003829.5); c.4699G>T, p.Asp1567Tyr (NM_001375413.1); c.4390G>T, p.Asp1464Tyr (NM_001375420.1, NM_001375421.1, NM_001375422.1 and 4 more transcripts); c.4192G>T, p.Asp1398Tyr (NM_001375427.1); short protein forms D1398Y, D1567Y, D1501Y, D1464Y, D1534Y.
Identifiers: ClinVar variation 1384859 (VCV001384859.6), dbSNP rs753045879, ClinGen allele CA372946950.
Genomic context (GRCh38, chr9:13,126,548, plus strand): 5'-TACCATTTACTTTATTTTGGAAAATTACCTTTTCAATAGGGTAACCAACAACAATTTCAT[C>A]ATCTACAGCCAGTATCTGATCTCCGACTTTGAGTCGTCCATCCTAAATGGAAACGTAGAA-3'
Protein context (NP_001365707.1, residues 1524-1544): KVGDQILAVD[Asp1534Tyr]EIVVGYPIEK